The following is an entry in ClinVar:

ClinVar aggregate classification (germline): Uncertain significance. Review status: criteria provided, multiple submitters, no conflicts (2 of 4 stars). 3 submissions from 3 submitters: Uncertain significance (3). Last evaluated 2026-05-05.

Conditions:
LRP2-related disorder. Also called: LRP2-related condition.
Inborn genetic diseases. Identifiers: MedGen C0950123, MeSH D030342.

Allele frequency attached by ClinVar (database versions not stated): gnomAD 0.00001; TOPMed 0.00001; ExAC 0.00002; gnomAD exomes 0.00003; ESP Exome Variant Server 0.00008.
gnomAD v4.1: 47 of 1,614,016 alleles (0.0029%); highest among the groups gnomAD compares: South Asian, 0.022%; no homozygotes.

Submissions (3):

PreventionGenetics, part of Exact Sciences
Classification: Uncertain significance for LRP2-related condition. Last evaluated: 2026-05-05. Review status: criteria provided, single submitter. Criteria: ACMG Guidelines, 2015. Collection method: clinical testing. Allele origin: germline.
Comment: The LRP2 c.11176C>T variant is predicted to result in the amino acid substitution p.Arg3726Cys. To our knowledge, this variant has not been reported in the literature. This variant is reported in 0.020% of alleles in individuals of South Asian descent in gnomAD. At this time, the clinical significance of this variant is uncertain due to the absence of conclusive functional and genetic evidence.

Labcorp Genetics (formerly Invitae), Labcorp
Classification: Uncertain significance. Last evaluated: 2022-04-06. Review status: criteria provided, single submitter. Criteria: Invitae Variant Classification Sherloc (09022015). Collection method: clinical testing. Allele origin: germline.
Comment: This sequence change replaces arginine, which is basic and polar, with cysteine, which is neutral and slightly polar, at codon 3726 of the LRP2 protein (p.Arg3726Cys). This variant is present in population databases (rs140022108, gnomAD 0.02%). This variant has not been reported in the literature in individuals affected with LRP2-related conditions. Advanced modeling of protein sequence and biophysical properties (such as structural, functional, and spatial information, amino acid conservation, physicochemical variation, residue mobility, and thermodynamic stability) performed at Invitae indicates that this missense variant is expected to disrupt LRP2 protein function. In summary, the available evidence is currently insufficient to determine the role of this variant in disease. Therefore, it has been classified as a Variant of Uncertain Significance.

Ambry Genetics
Classification: Uncertain significance for Inborn genetic diseases. Last evaluated: 2021-08-12. Review status: criteria provided, single submitter. Criteria: Ambry Variant Classification Scheme 2023. Collection method: clinical testing. Allele origin: germline.

NM_004525.3(LRP2):c.11176C>T (p.Arg3726Cys)

Gene: LRP2 (LDL receptor related protein 2; minus strand). Cytogenetic location: 2q31.1.
Variant type: single nucleotide variant.
Coding change: c.11176C>T on transcript NM_004525.3 (MANE Select); coding-DNA position 11176, C replaced by T.
Protein change: p.Arg3726Cys; replaces arginine 3726 with cysteine.
Molecular consequence: missense variant.
Genome position (GRCh38, 1-based): chr2:169,172,102, G>A on the plus strand (C>T on the coding strand, the complement: LRP2 is on the minus strand). VCF-style: chr2-169172102-G-A. GRCh37 (hg19) VCF-style: chr2-170028612-G-A.
Other names: short protein forms R3726C.
Identifiers: ClinVar variation 1923301 (VCV001923301.4), dbSNP rs140022108, ClinGen allele CA1953153.
Genomic context (GRCh38, chr2:169,172,102, plus strand): 5'-CACAGTCATTTTGCCCATCACACTGCCAACGAAGAGGGATGCAGTGGTGATTTTTACAGC[G>A]GAAATCCCCCACAGGATGGCATGTCCTCTCCTCTGCAAAGCAGTCATTGCAAAGACTTCA-3'
Protein context (NP_004516.2, residues 3716-3736): ERTCHPVGDF[Arg3726Cys]CKNHHCIPLR